The following is an entry in ClinVar:

NM_001382567.1(STIM1):c.1337G>A (p.Gly446Asp)

Gene: STIM1 (stromal interaction molecule 1; plus strand). Cytogenetic location: 11p15.4.
Variant type: single nucleotide variant.
Coding change: c.1337G>A on transcript NM_001382567.1 (MANE Select); coding-DNA position 1337, G replaced by A.
Protein change: p.Gly446Asp; replaces glycine 446 with aspartic acid.
Molecular consequence: missense variant. On other transcripts: non-coding transcript variant (2).
Genome position (GRCh38, 1-based): chr11:4,083,361, G>A. VCF-style: chr11-4083361-G-A. GRCh37 (hg19) VCF-style: chr11-4104591-G-A.
Other names: c.1115G>A, p.Gly372Asp (NM_001382575.1, NM_001382576.1, NM_001382577.1 and 4 more transcripts); c.848G>A, p.Gly283Asp (NM_001382580.1, NM_001382581.1); c.1337G>A, p.Gly446Asp (NM_003156.4, NM_001277961.3, NM_001277962.2); c.1358G>A, p.Gly453Asp (NM_001382568.1); c.1202G>A, p.Gly401Asp (NM_001382569.1); c.1109G>A, p.Gly370Asp (NM_001382570.1); c.857G>A, p.Gly286Asp (NM_001382571.1); short protein forms G446D, G283D, G286D, G370D, G372D, G401D, G453D.
Identifiers: ClinVar variation 643781 (VCV000643781.10), dbSNP rs1411280995, ClinGen allele CA379194246.

ClinVar aggregate classification (germline): Uncertain significance (1 of 4 stars; one submission).

Conditions:
Combined immunodeficiency due to STIM1 deficiency. Also called: STIM1 DEFICIENCY; IMMUNODEFICIENCY 10. Identifiers: Orphanet 169090, Orphanet 317430, MedGen C2748557, MONDO:0013008, OMIM 612783.
Stormorken syndrome (STRMK). Also called: THROMBOCYTOPATHY, ASPLENIA, AND MIOSIS. Identifiers: Orphanet 3204, MedGen C1861451, MONDO:0008497, OMIM 185070.
Myopathy with tubular aggregates (TAM). Also called: Tubular Aggregate Myopathy. Identifiers: Orphanet 2593, MedGen C0410207, MONDO:0008051.

Allele frequency attached by ClinVar (database versions not stated): gnomAD exomes below 0.00001 and 0.00001; TOPMed 0.00001.
gnomAD v4.1: 2 of 1,614,234 alleles (0.00012%); highest among the groups gnomAD compares: Admixed American, 0.0033%; no homozygotes.

Submission:

Labcorp Genetics (formerly Invitae), Labcorp
Classification: Uncertain significance for Myopathy with tubular aggregates; Combined immunodeficiency due to STIM1 deficiency; Stormorken syndrome. Last evaluated: 2024-11-12. Review status: criteria provided, single submitter. Criteria: Invitae Variant Classification Sherloc (09022015). Collection method: clinical testing. Allele origin: germline.
Comment: This sequence change replaces glycine, which is neutral and non-polar, with aspartic acid, which is acidic and polar, at codon 446 of the STIM1 protein (p.Gly446Asp). This variant is present in population databases (no rsID available, gnomAD 0.003%). This variant has not been reported in the literature in individuals affected with STIM1-related conditions. ClinVar contains an entry for this variant (Variation ID: 643781). Invitae Evidence Modeling of protein sequence and biophysical properties (such as structural, functional, and spatial information, amino acid conservation, physicochemical variation, residue mobility, and thermodynamic stability) has been performed for this missense variant. However, the output from this modeling did not meet the statistical confidence thresholds required to predict the impact of this variant on STIM1 protein function. In summary, the available evidence is currently insufficient to determine the role of this variant in disease. Therefore, it has been classified as a Variant of Uncertain Significance.